The following is an entry in ClinVar:

NM_001349798.2(FBXW7):c.1031C>G (p.Pro344Arg)

Gene: FBXW7 (F-box and WD repeat domain containing 7; minus strand). Cytogenetic location: 4q31.3.
Variant type: single nucleotide variant.
Coding change: c.1031C>G on transcript NM_001349798.2 (MANE Select); coding-DNA position 1031, C replaced by G.
Protein change: p.Pro344Arg; replaces proline 344 with arginine.
Molecular consequence: missense variant.
Genome position (GRCh38, 1-based): chr4:152,330,823, G>C on the plus strand (C>G on the coding strand, the complement: FBXW7 is on the minus strand). VCF-style: chr4-152330823-G-C. GRCh37 (hg19) VCF-style: chr4-153251975-G-C.
Other names: c.677C>G, p.Pro226Arg (NM_001013415.2); c.791C>G, p.Pro264Arg (NM_018315.5); c.1031C>G, p.Pro344Arg (NM_033632.3); short protein forms P264R, P344R, P226R.
Identifiers: ClinVar variation 2095485 (VCV002095485.5), dbSNP rs949285009, ClinGen allele CA108586895.

ClinVar aggregate classification (germline): Uncertain significance. Review status: criteria provided, multiple submitters, no conflicts (2 of 4 stars). 2 submissions from 2 submitters: Uncertain significance (2). Last evaluated 2025-05-25.

Allele frequency attached by ClinVar (database versions not stated): TOPMed below 0.00001.

Submissions (2):

GeneDx
Classification: Uncertain significance. Last evaluated: 2025-05-25. Review status: criteria provided, single submitter. Criteria: GeneDx Variant Classification Process June 2021. Collection method: clinical testing. Allele origin: germline. Affected: yes.
Comment: Not observed at significant frequency in large population cohorts (gnomAD); In silico analysis suggests that this missense variant does not alter protein structure/function; Has not been previously published as pathogenic or benign to our knowledge

Labcorp Genetics (formerly Invitae), Labcorp
Classification: Uncertain significance. Last evaluated: 2024-02-14. Review status: criteria provided, single submitter. Criteria: Invitae Variant Classification Sherloc (09022015). Collection method: clinical testing. Allele origin: germline.
Comment: This sequence change replaces proline, which is neutral and non-polar, with arginine, which is basic and polar, at codon 344 of the FBXW7 protein (p.Pro344Arg). This variant is not present in population databases (gnomAD no frequency). This variant has not been reported in the literature in individuals affected with FBXW7-related conditions. ClinVar contains an entry for this variant (Variation ID: 2095485). An algorithm developed to predict the effect of missense changes on protein structure and function (PolyPhen-2) suggests that this variant is likely to be tolerated. In summary, the available evidence is currently insufficient to determine the role of this variant in disease. Therefore, it has been classified as a Variant of Uncertain Significance.